The following is an entry in ClinVar:

NM_005391.5(PDK3):c.382C>A (p.Gln128Lys)

Gene: PDK3 (pyruvate dehydrogenase kinase 3; plus strand). Cytogenetic location: Xp22.11.
Variant type: single nucleotide variant.
Coding change: c.382C>A on transcript NM_005391.5 (MANE Select); coding-DNA position 382, C replaced by A.
Protein change: p.Gln128Lys; replaces glutamine 128 with lysine.
Molecular consequence: missense variant.
Genome position (GRCh38, 1-based): chrX:24,503,388, C>A. VCF-style: chrX-24503388-C-A. GRCh37 (hg19) VCF-style: chrX-24521505-C-A.
Other names: c.382C>A, p.Gln128Lys (NM_001142386.3); short protein forms Q128K.
Identifiers: ClinVar variation 1926413 (VCV001926413.5), dbSNP rs1921909663, ClinGen allele CA412605240.

ClinVar aggregate classification (germline): Uncertain significance (1 of 4 stars; one submission).

Conditions:
Charcot-Marie-Tooth disease X-linked dominant 6. Also called: CHARCOT-MARIE-TOOTH NEUROPATHY, X-LINKED DOMINANT, 6. Identifiers: Orphanet 352675, MedGen C3806702, MONDO:0010479, OMIM 300905.

gnomAD v4.1: 57 of 1,203,294 alleles (0.0047%); highest among the groups gnomAD compares: Non-Finnish European, 0.0062%; no homozygotes.

Submission:

Labcorp Genetics (formerly Invitae), Labcorp
Classification: Uncertain significance for Charcot-Marie-Tooth disease X-linked dominant 6. Last evaluated: 2024-06-19. Review status: criteria provided, single submitter. Criteria: Invitae Variant Classification Sherloc (09022015). Collection method: clinical testing. Allele origin: germline.
Comment: This sequence change replaces glutamine, which is neutral and polar, with lysine, which is basic and polar, at codon 128 of the PDK3 protein (p.Gln128Lys). This variant is not present in population databases (gnomAD no frequency). This variant has not been reported in the literature in individuals affected with PDK3-related conditions. ClinVar contains an entry for this variant (Variation ID: 1926413). Advanced modeling of protein sequence and biophysical properties (such as structural, functional, and spatial information, amino acid conservation, physicochemical variation, residue mobility, and thermodynamic stability) performed at Invitae indicates that this missense variant is not expected to disrupt PDK3 protein function with a negative predictive value of 80%. In summary, the available evidence is currently insufficient to determine the role of this variant in disease. Therefore, it has been classified as a Variant of Uncertain Significance.